The following is an entry in ClinVar:

ClinVar aggregate classification (germline): Uncertain significance (1 of 4 stars; one submission).

Conditions:
PPFIA1-related disorder. Also called: PPFIA1-related condition.

gnomAD v4.1: 12 of 1,614,102 alleles (0.00074%); highest among the groups gnomAD compares: Non-Finnish European, 0.001%; no homozygotes.

Submission:

PreventionGenetics, part of Exact Sciences
Classification: Uncertain significance for PPFIA1-related condition. Last evaluated: 2026-09-12. Review status: criteria provided, single submitter. Criteria: ACMG Guidelines, 2015. Collection method: clinical testing. Allele origin: germline.
Comment: The PPFIA1 c.2822T>C variant is predicted to result in the amino acid substitution p.Ile941Thr. To our knowledge, this variant has not been reported in the literature or in a large population database (gnomAD), indicating this variant is rare. Although we suspect that this variant may be benign, at this time, the clinical significance of this variant is uncertain due to the absence of conclusive functional and genetic evidence.

NM_003626.5(PPFIA1):c.2822T>C (p.Ile941Thr)

Gene: PPFIA1 (PPFI scaffold protein A1; plus strand). Cytogenetic location: 11q13.3.
Variant type: single nucleotide variant.
Coding change: c.2822T>C on transcript NM_003626.5 (MANE Select); coding-DNA position 2822, T replaced by C.
Protein change: p.Ile941Thr; replaces isoleucine 941 with threonine.
Molecular consequence: missense variant. On other transcripts: non-coding transcript variant (1).
Genome position (GRCh38, 1-based): chr11:70,362,445, T>C. VCF-style: chr11-70362445-T-C. GRCh37 (hg19) VCF-style: chr11-70208551-T-C.
Other names: c.2927T>C, p.Ile976Thr (NM_001378006.1); c.2822T>C, p.Ile941Thr (NM_177423.3); short protein forms I941T, I976T.
Identifiers: ClinVar variation 2635095 (VCV002635095.2), dbSNP rs1471404364, ClinGen allele CA381686260.
Genomic context (GRCh38, chr11:70,362,445, plus strand): 5'-GTGAGATTGGCATCAGCAACCCCCTGCACAGGCTGAAGCTGAGGCTGGCCATCCAGGAGA[T>C]CATGTCGCTGACCAGCCCGTCTGCCCCGCCCACATCTAGAACGGTACGTTCAGAGACAAC-3'
Protein context (NP_003617.1, residues 931-951): RLKLRLAIQE[Ile941Thr]MSLTSPSAPP